The following is an entry in ClinVar:

NM_152594.3(SPRED1):c.892G>C (p.Asp298His)

Gene: SPRED1 (sprouty related EVH1 domain containing 1; plus strand). Cytogenetic location: 15q14.
Variant type: single nucleotide variant.
Coding change: c.892G>C on transcript NM_152594.3 (MANE Select); coding-DNA position 892, G replaced by C.
Protein change: p.Asp298His; replaces aspartic acid 298 with histidine.
Molecular consequence: missense variant.
Genome position (GRCh38, 1-based): chr15:38,351,221, G>C. VCF-style: chr15-38351221-G-C. GRCh37 (hg19) VCF-style: chr15-38643422-G-C.
Other names: short protein forms D298H.
Identifiers: ClinVar variation 856883 (VCV000856883.9), dbSNP rs761001792, ClinGen allele CA7470200.

ClinVar aggregate classification (germline): Conflicting classifications of pathogenicity. Review status: criteria provided, conflicting classifications (1 of 4 stars). 2 submissions from 2 submitters: Uncertain significance (1); Likely benign (1). Last evaluated 2025-08-19.

Conditions:
Cardiovascular phenotype. Identifiers: MedGen CN230736.
Legius syndrome. Identifiers: Orphanet 137605, MedGen C1969623, MONDO:0012669, OMIM 611431. Disease mechanism: loss of function.

Allele frequency attached by ClinVar (database versions not stated): ExAC 0.00001; gnomAD 0.00001; gnomAD exomes 0.00001; TOPMed 0.00002.
gnomAD v4.1: 6 of 1,614,020 alleles (0.00037%); highest among the groups gnomAD compares: Admixed American, 0.01%; no homozygotes.

Submissions (2):

Ambry Genetics
Classification: Likely benign for Cardiovascular phenotype. Last evaluated: 2025-08-19. Review status: criteria provided, single submitter. Criteria: Ambry Variant Classification Scheme 2023. Collection method: clinical testing. Allele origin: germline.

Labcorp Genetics (formerly Invitae), Labcorp
Classification: Uncertain significance for Legius syndrome. Last evaluated: 2024-06-30. Review status: criteria provided, single submitter. Criteria: Invitae Variant Classification Sherloc (09022015). Collection method: clinical testing. Allele origin: germline.
Comment: This sequence change replaces aspartic acid, which is acidic and polar, with histidine, which is basic and polar, at codon 298 of the SPRED1 protein (p.Asp298His). This variant is present in population databases (rs761001792, gnomAD 0.009%). This variant has not been reported in the literature in individuals affected with SPRED1-related conditions. ClinVar contains an entry for this variant (Variation ID: 856883). Advanced modeling performed at Invitae incorporating data from internal and/or published experimental studies (Invitae) indicates that this missense variant is not expected to disrupt SPRED1 function with a negative predictive value of 95%. In summary, the available evidence is currently insufficient to determine the role of this variant in disease. Therefore, it has been classified as a Variant of Uncertain Significance.